The following is an entry in ClinVar:

NM_001204.7(BMPR2):c.2264C>A (p.Pro755His)

Gene: BMPR2 (bone morphogenetic protein receptor type 2; plus strand). Cytogenetic location: 2q33.2.
Variant type: single nucleotide variant.
Coding change: c.2264C>A on transcript NM_001204.7 (MANE Select); coding-DNA position 2264, C replaced by A.
Protein change: p.Pro755His; replaces proline 755 with histidine.
Molecular consequence: missense variant.
Genome position (GRCh38, 1-based): chr2:202,555,929, C>A. VCF-style: chr2-202555929-C-A. GRCh37 (hg19) VCF-style: chr2-203420652-C-A.
Other names: short protein forms P755H.
Identifiers: ClinVar variation 4824911 (VCV004824911.1).

ClinVar aggregate classification (germline): Uncertain significance (1 of 4 stars; one submission).

Conditions:
Inborn genetic diseases. Identifiers: MedGen C0950123, MeSH D030342.

gnomAD v4.1: 2 of 1,614,042 alleles (0.00012%); highest among the groups gnomAD compares: Non-Finnish European, 0.00017%; no homozygotes.

Submission:

Ambry Genetics
Classification: Uncertain significance for Inborn genetic diseases. Last evaluated: 2026-01-21. Review status: criteria provided, single submitter. Criteria: Ambry Variant Classification Scheme 2023. Collection method: clinical testing. Allele origin: germline.
Comment: The p.P755H variant (also known as c.2264C>A), located in coding exon 12 of the BMPR2 gene, results from a C to A substitution at nucleotide position 2264. The proline at codon 755 is replaced by histidine, an amino acid with similar properties. This amino acid position is conserved. In addition, this alteration is predicted to be deleterious by in silico analysis. Based on the available evidence, the clinical significance of this variant remains unclear.